The following is an entry in ClinVar:

ClinVar aggregate classification (germline): Pathogenic. Review status: criteria provided, multiple submitters, no conflicts (2 of 4 stars). 3 submissions from 3 submitters: Pathogenic (3). Last evaluated 2023-08-25.

Conditions:
Hereditary nonpolyposis colorectal neoplasms. Identifiers: MedGen C0009405, MeSH D003123.
Hereditary cancer-predisposing syndrome. Also called: Neoplastic Syndromes, Hereditary; Tumor predisposition; Hereditary Cancer Syndrome; Hereditary neoplastic syndrome. Identifiers: Orphanet 140162, MedGen C0027672, MeSH D009386, MONDO:0015356.
Lynch syndrome 5 (LYNCH5). Also called: Colorectal cancer, hereditary nonpolyposis, type 5; Hereditary non-polyposis colorectal cancer, type 5. Identifiers: Orphanet 144, MedGen C1833477, MONDO:0013710, OMIM 614350. Disease mechanism: loss of function.

Submissions (3):

Myriad Genetics, Inc.
Classification: Pathogenic for Lynch syndrome 5. Last evaluated: 2023-08-25. Review status: criteria provided, single submitter. Criteria: Myriad Autosomal Dominant, Autosomal Recessive and X-Linked Classification Criteria (2023). Collection method: clinical testing. Allele origin: unknown.
Comment: This variant is considered pathogenic. This variant creates a termination codon and is predicted to result in premature protein truncation.

Ambry Genetics
Classification: Pathogenic for Hereditary cancer-predisposing syndrome. Last evaluated: 2019-12-28. Review status: criteria provided, single submitter. Criteria: Ambry Variant Classification Scheme 2023. Collection method: clinical testing. Allele origin: germline.
Comment: The p.G1265* pathogenic mutation (also known as c.3793G>T), located in coding exon 8 of the MSH6 gene, results from a G to T substitution at nucleotide position 3793. This changes the amino acid from a glycine to a stop codon within coding exon 8. This alteration is expected to result in loss of function by premature protein truncation or nonsense-mediated mRNA decay. As such, this alteration is interpreted as a disease-causing mutation.

Labcorp Genetics (formerly Invitae), Labcorp
Classification: Pathogenic for Hereditary nonpolyposis colorectal neoplasms. Last evaluated: 2018-10-01. Review status: criteria provided, single submitter. Criteria: Invitae Variant Classification Sherloc (09022015). Collection method: clinical testing. Allele origin: germline.
Comment: For these reasons, this variant has been classified as Pathogenic. Loss-of-function variants in MSH6 are known to be pathogenic (PMID: 18269114, 24362816). This variant has not been reported in the literature in individuals with MSH6-related disease. This variant is not present in population databases (ExAC no frequency). This sequence change creates a premature translational stop signal (p.Gly1265*) in the MSH6 gene. It is expected to result in an absent or disrupted protein product.

Literature cited by the submitters: PubMed 18269114 (cited by Labcorp Genetics (formerly Invitae), Labcorp); PubMed 24362816 (cited by Labcorp Genetics (formerly Invitae), Labcorp).

NM_000179.3(MSH6):c.3793G>T (p.Gly1265Ter)

Gene: MSH6 (mutS homolog 6; plus strand). Cytogenetic location: 2p16.3.
Variant type: single nucleotide variant.
Coding change: c.3793G>T on transcript NM_000179.3 (MANE Select); coding-DNA position 3793, G replaced by T.
Protein change: p.Gly1265Ter; replaces glycine 1265 with a stop codon.
Molecular consequence: nonsense.
Genome position (GRCh38, 1-based): chr2:47,806,350, G>T. VCF-style: chr2-47806350-G-T. GRCh37 (hg19) VCF-style: chr2-48033489-G-T.
Other names: c.3403G>T, p.Gly1135Ter (NM_001281492.2); c.2887G>T, p.Gly963Ter (NM_001281493.2, NM_001281494.2); short protein forms G1135*, G963*, G1265*.
Identifiers: ClinVar variation 651508 (VCV000651508.10), dbSNP rs754469538, ClinGen allele CA346761183.